The following is an entry in ClinVar:

NM_001374828.1(ARID1B):c.3805_3806dup (p.Gln1270fs)

Gene: ARID1B (AT-rich interaction domain 1B; plus strand). Cytogenetic location: 6q25.3.
Variant type: Microsatellite.
Coding change: c.3805_3806dup on transcript NM_001374828.1 (MANE Select); coding-DNA positions 3805 to 3806, 2 bases duplicated (AT; older notation c.3805_3806dupAT).
Protein change: p.Gln1270fs; shifts the reading frame from glutamine 1270.
Molecular consequence: frameshift variant.
Genome position (GRCh38, 1-based): chr6:157,184,321-157,184,322, AT duplicated; duplicating any 2 consecutive bases within chr6:157,184,318-157,184,322 gives the same sequence; the c. name uses the placement nearest the transcript's 3' end. VCF-style (leftmost placement, unchanged base first): chr6-157184317-G-GTA. GRCh37 (hg19) VCF-style: chr6-157505451-G-GTA.
Other names: c.1306_1307dup, p.Gln437fs (NM_001363725.2); c.3685_3686dup, p.Gln1230fs (NM_001371656.1, NM_001374820.1); c.3934_3935dup, p.Gln1313fs (NM_001438482.1); c.3847_3848dup, p.Gln1284fs (NM_001438483.1); c.3715_3716dup, p.Gln1240fs (NM_001438485.1); c.3688_3689dup, p.Gln1231fs (NM_001438486.1); c.3625_3626dup, p.Gln1210fs (NM_001438487.1); c.1147_1148dup, p.Gln384fs (NM_001438488.1); and 1 more; short protein forms Q1210fs, Q1217fs, Q1230fs, Q1231fs, Q1240fs, Q1270fs, Q1284fs, Q1313fs.
Identifiers: ClinVar variation 4887863 (VCV004887863.1).

ClinVar aggregate classification (germline): Pathogenic (1 of 4 stars; one submission).

Submission:

GeneDx
Classification: Pathogenic. Last evaluated: 2026-02-05. Review status: criteria provided, single submitter. Criteria: GeneDx Variant Classification Process June 2021. Collection method: clinical testing. Allele origin: germline.
Comment: Frameshift variant predicted to result in protein truncation or nonsense mediated decay in a gene for which loss of function is a known mechanism of disease; Not observed at significant frequency in large population cohorts (gnomAD); This variant is associated with the following publications: (PMID: 27672547)